The following is an entry in ClinVar:

ClinVar aggregate classification (germline): Pathogenic (1 of 4 stars; one submission).

Submission:

CeGaT Center for Human Genetics Tuebingen
Classification: Pathogenic. Last evaluated: 2026-03-01. Review status: criteria provided, single submitter. Criteria: CeGaT Center For Human Genetics Tuebingen Variant Classification Criteria Version 2. Collection method: clinical testing. Allele origin: germline. Affected: yes. Observed: 1 variant allele.
Comment: MYO7A: PVS1, PM2, PM3:Supporting

NM_000260.4(MYO7A):c.1691-1G>A

Gene: MYO7A (myosin VIIA; plus strand). Cytogenetic location: 11q13.5.
Variant type: single nucleotide variant.
Coding change: c.1691-1G>A on transcript NM_000260.4 (MANE Select); the canonical splice acceptor site of the intron before coding-DNA position 1691, G replaced by A.
Molecular consequence: splice acceptor variant.
Genome position (GRCh38, 1-based): chr11:77,166,055, G>A. VCF-style: chr11-77166055-G-A. GRCh37 (hg19) VCF-style: chr11-76877101-G-A.
Other names: c.1658-1G>A (NM_001369365.1); c.1691-1G>A (NM_001127180.2).
Identifiers: ClinVar variation 4822498 (VCV004822498.4).